The following is an entry in ClinVar:

NM_001009944.3(PKD1):c.2396_2421del (p.Arg799fs)

Gene: PKD1 (polycystin 1, transient receptor potential channel interacting; minus strand). Cytogenetic location: 16p13.3.
Variant type: Deletion.
Coding change: c.2396_2421del on transcript NM_001009944.3 (MANE Select); coding-DNA positions 2396 to 2421, 26 bases deleted (GGGCAGAGGTGGGCAATGGCGTGTCC).
Protein change: p.Arg799fs; shifts the reading frame from arginine 799.
Molecular consequence: frameshift variant.
Genome position (GRCh38, 1-based): chr16:2,114,602-2,114,627, GGACACGCCATTGCCCACCTCTGCCC deleted on the plus strand (GGGCAGAGGTGGGCAATGGCGTGTCC on the coding strand, the reverse complement: PKD1 is on the minus strand); deleting any 26 consecutive bases within chr16:2,114,602-2,114,631 gives the same sequence; the c. name uses the placement nearest the transcript's 3' end. VCF-style (leftmost placement, unchanged base first): chr16-2114601-TGGACACGCCATTGCCCACCTCTGCCC-T. GRCh37 (hg19) VCF-style: chr16-2164602-TGGACACGCCATTGCCCACCTCTGCCC-T.
Other names: c.2396_2421del, p.Arg799fs (NM_000296.4); short protein forms R799fs.
Identifiers: ClinVar variation 873355 (VCV000873355.1), dbSNP rs2092598385, ClinGen allele CA1139664357.

ClinVar aggregate classification (germline): Pathogenic (1 of 4 stars; one submission).

Conditions:
Polycystic kidney disease, adult type (PKD1). Also called: POLYCYSTIC KIDNEY DISEASE 1 WITH OR WITHOUT POLYCYSTIC LIVER DISEASE; Polycystic Kidney Disease 1, Autosomal Dominant; Polycystic kidney disease 1; Polycystic kidney disease 1, severe; Polycystic Kidney, Autosomal Dominant; POLYCYSTIC KIDNEY DISEASE, ADULT, TYPE I. Identifiers: MedGen C3149841, MONDO:0008263, OMIM 173900.

Submission:

Cavalleri Lab, Royal College of Surgeons in Ireland
Classification: Pathogenic for Polycystic kidney disease, adult type. Last evaluated: 2020-02-05. Review status: criteria provided, single submitter. Criteria: ACMG Guidelines, 2015. Collection method: research. Allele origin: unknown. Inheritance: Autosomal dominant inheritance. Affected: yes.
Comment: PVS1, PM2, PP4